The following is an entry in ClinVar:

ClinVar aggregate classification (germline): Pathogenic/Likely pathogenic. Review status: criteria provided, multiple submitters, no conflicts (2 of 4 stars). 2 submissions from 2 submitters: Pathogenic (1); Likely pathogenic (1). Last evaluated 2022-11-23.

Conditions:
Hypertrophic cardiomyopathy 26. Also called: Cardiomyopathy, familial hypertrophic, 26. Identifiers: Orphanet 75249, MedGen C4310749, MONDO:0014883, OMIM 617047.
Myofibrillar myopathy 5. Also called: Filaminopathy (type); FILAMINOPATHY, AUTOSOMAL DOMINANT. Identifiers: Orphanet 171445, MedGen C1836050, MONDO:0012289, OMIM 609524.
Distal myopathy with posterior leg and anterior hand involvement. Also called: WILLIAMS DISTAL MYOPATHY. Identifiers: Orphanet 63273, MedGen C3279722, MONDO:0013550, OMIM 614065.
FLNC-related disorder. Also called: FLNC-related condition; FLNC-related disorders.

Submissions (2):

Blueprint Genetics
Classification: Likely pathogenic for FLNC-related disorders. Last evaluated: 2022-11-23. Review status: criteria provided, single submitter. Criteria: ACMG Guidelines, 2015. Collection method: clinical testing. Allele origin: germline. Affected: yes. Observed: 1 variant allele.

Labcorp Genetics (formerly Invitae), Labcorp
Classification: Pathogenic for Distal myopathy with posterior leg and anterior hand involvement; Myofibrillar myopathy 5; Hypertrophic cardiomyopathy 26. Last evaluated: 2022-09-02. Review status: criteria provided, single submitter. Criteria: Invitae Variant Classification Sherloc (09022015). Collection method: clinical testing. Allele origin: germline.
Comment: For these reasons, this variant has been classified as Pathogenic. This variant has not been reported in the literature in individuals affected with FLNC-related conditions. This variant is not present in population databases (gnomAD no frequency). This sequence change creates a premature translational stop signal (p.Val1441Trpfs*6) in the FLNC gene. It is expected to result in an absent or disrupted protein product. Loss-of-function variants in FLNC are known to be pathogenic (PMID: 27908349).

Literature cited by the submitters: PubMed 27908349 (cited by Labcorp Genetics (formerly Invitae), Labcorp).

NM_001458.5(FLNC):c.4321del (p.Val1441fs)

Gene: FLNC (filamin C; plus strand). Cytogenetic location: 7q32.1.
Variant type: Deletion.
Coding change: c.4321del on transcript NM_001458.5 (MANE Select); coding-DNA position 4321, one base deleted (G; older notation c.4321delG).
Protein change: p.Val1441fs; shifts the reading frame from valine 1441.
Molecular consequence: frameshift variant.
Genome position (GRCh38, 1-based): chr7:128,847,729, G deleted; the last of 2 consecutive G bases (chr7:128,847,728-128,847,729); deleting either gives the same sequence. VCF-style (leftmost placement, unchanged base first): chr7-128847727-TG-T. GRCh37 (hg19) VCF-style: chr7-128487781-TG-T.
Other names: c.4321del, p.Val1441fs (NM_001127487.2); short protein forms V1441fs.
Identifiers: ClinVar variation 1953038 (VCV001953038.6), dbSNP rs2536645729, ClinGen allele CA2580076655.